The following is an entry in ClinVar:

NM_130466.4(UBE3B):c.1837G>A (p.Glu613Lys)

Gene: UBE3B (ubiquitin protein ligase E3B; plus strand). Cytogenetic location: 12q24.11.
Variant type: single nucleotide variant.
Coding change: c.1837G>A on transcript NM_130466.4 (MANE Select); coding-DNA position 1837, G replaced by A.
Protein change: p.Glu613Lys; replaces glutamic acid 613 with lysine.
Molecular consequence: missense variant.
Genome position (GRCh38, 1-based): chr12:109,510,439, G>A. VCF-style: chr12-109510439-G-A. GRCh37 (hg19) VCF-style: chr12-109948244-G-A.
Other names: c.1837G>A, p.Glu613Lys (NM_183415.3); c.1837G>A (NM_130466.2); short protein forms E613K.
Identifiers: ClinVar variation 2082437 (VCV002082437.2), dbSNP rs769473261, ClinGen allele CA6778000.

ClinVar aggregate classification (germline): Uncertain significance. Review status: criteria provided, multiple submitters, no conflicts (2 of 4 stars). 2 submissions from 2 submitters: Uncertain significance (2). Last evaluated 2024-05-07.

Conditions:
Inborn genetic diseases. Identifiers: MedGen C0950123, MeSH D030342.

Allele frequency attached by ClinVar (database versions not stated): ExAC 0.00001; gnomAD 0.00002; TOPMed 0.00003.
gnomAD v4.1: 90 of 1,611,798 alleles (0.0056%); highest among the groups gnomAD compares: Non-Finnish European, 0.0073%; no homozygotes.

Submissions (2):

Ambry Genetics
Classification: Uncertain significance for Inborn genetic diseases. Last evaluated: 2024-05-07. Review status: criteria provided, single submitter. Criteria: Ambry Variant Classification Scheme 2023. Collection method: clinical testing. Allele origin: germline.

Labcorp Genetics (formerly Invitae), Labcorp
Classification: Uncertain significance. Last evaluated: 2022-08-23. Review status: criteria provided, single submitter. Criteria: Invitae Variant Classification Sherloc (09022015). Collection method: clinical testing. Allele origin: germline.
Comment: This sequence change replaces glutamic acid, which is acidic and polar, with lysine, which is basic and polar, at codon 613 of the UBE3B protein (p.Glu613Lys). This variant is present in population databases (rs769473261, gnomAD 0.003%). This variant has not been reported in the literature in individuals affected with UBE3B-related conditions. Algorithms developed to predict the effect of missense changes on protein structure and function (SIFT, PolyPhen-2, Align-GVGD) all suggest that this variant is likely to be tolerated. In summary, the available evidence is currently insufficient to determine the role of this variant in disease. Therefore, it has been classified as a Variant of Uncertain Significance.